The following is an entry in ClinVar:

NM_000179.3(MSH6):c.2692C>A (p.Pro898Thr)

Gene: MSH6 (mutS homolog 6; plus strand). Cytogenetic location: 2p16.3.
Variant type: single nucleotide variant.
Coding change: c.2692C>A on transcript NM_000179.3 (MANE Select); coding-DNA position 2692, C replaced by A.
Protein change: p.Pro898Thr; replaces proline 898 with threonine.
Molecular consequence: missense variant.
Genome position (GRCh38, 1-based): chr2:47,800,675, C>A. VCF-style: chr2-47800675-C-A. GRCh37 (hg19) VCF-style: chr2-48027814-C-A.
Other names: c.2302C>A, p.Pro768Thr (NM_001281492.2); c.1786C>A, p.Pro596Thr (NM_001281493.2, NM_001281494.2); short protein forms P898T, P596T, P768T.
Identifiers: ClinVar variation 428305 (VCV000428305.18), dbSNP rs1114167700, ClinGen allele CA346755302.
Genomic context (GRCh38, chr2:47,800,675, plus strand): 5'-GTTGCTGATGGTTTTAAGTCTAAAATCCTTAAGCAGGTCATCTCTCTGCAGACAAAAAAT[C>A]CTGAAGGTCGTTTTCCTGATTTGACTGTAGAATTGAACCGATGGGATACAGCCTTTGACC-3'
Protein context (NP_000170.1, residues 888-908): KQVISLQTKN[Pro898Thr]EGRFPDLTVE

ClinVar aggregate classification (germline): Uncertain significance. Review status: criteria provided, multiple submitters, no conflicts (2 of 4 stars). 4 submissions from 4 submitters: Uncertain significance (4). Last evaluated 2025-12-23.

Conditions:
Lynch syndrome. Identifiers: Orphanet 144, MedGen C4552100, MONDO:0005835. Disease mechanism: loss of function.
Hereditary cancer-predisposing syndrome. Also called: Hereditary Cancer Syndrome; Neoplastic Syndromes, Hereditary; Hereditary neoplastic syndrome; Tumor predisposition. Identifiers: Orphanet 140162, MedGen C0027672, MeSH D009386, MONDO:0015356.
Hereditary nonpolyposis colorectal neoplasms. Identifiers: MedGen C0009405, MeSH D003123.

Submissions (4):

Labcorp Genetics (formerly Invitae), Labcorp
Classification: Uncertain significance for Hereditary nonpolyposis colorectal neoplasms. Last evaluated: 2025-12-23. Review status: criteria provided, single submitter. Criteria: Invitae Variant Classification Sherloc (09022015). Collection method: clinical testing. Allele origin: germline.
Comment: This sequence change replaces proline, which is neutral and non-polar, with threonine, which is neutral and polar, at codon 898 of the MSH6 protein (p.Pro898Thr). This variant is not present in population databases (gnomAD no frequency). This variant has not been reported in the literature in individuals affected with MSH6-related conditions. ClinVar contains an entry for this variant (Variation ID: 428305). Invitae Evidence Modeling of protein sequence and biophysical properties (such as structural, functional, and spatial information, amino acid conservation, physicochemical variation, residue mobility, and thermodynamic stability) indicates that this missense variant is not expected to disrupt MSH6 protein function with a negative predictive value of 95%. In summary, the available evidence is currently insufficient to determine the role of this variant in disease. Therefore, it has been classified as a Variant of Uncertain Significance.

Ambry Genetics
Classification: Uncertain significance for Hereditary cancer-predisposing syndrome. Last evaluated: 2025-07-19. Review status: criteria provided, single submitter. Criteria: Ambry Variant Classification Scheme 2023. Collection method: clinical testing. Allele origin: germline.
Comment: The p.P898T variant (also known as c.2692C>A), located in coding exon 4 of the MSH6 gene, results from a C to A substitution at nucleotide position 2692. The proline at codon 898 is replaced by threonine, an amino acid with highly similar properties. This amino acid position is well conserved in available vertebrate species. In addition, the in silico prediction for this alteration is inconclusive. Since supporting evidence is limited at this time, the clinical significance of this alteration remains unclear.

Color Diagnostics, LLC DBA Color Health
Classification: Uncertain significance for Hereditary cancer-predisposing syndrome. Last evaluated: 2024-03-07. Review status: criteria provided, single submitter. Criteria: ACMG Guidelines, 2015. Collection method: clinical testing. Allele origin: germline.
Comment: This missense variant replaces proline with threonine at codon 898 of the MSH6 protein. Computational prediction is inconclusive regarding the impact of this variant on protein structure and function (internally defined REVEL score threshold 0.5 < inconclusive < 0.7, PMID: 27666373). To our knowledge, functional studies have not been reported for this variant. This variant has not been reported in individuals affected with hereditary cancer in the literature. This variant has not been identified in the general population by the Genome Aggregation Database (gnomAD). The available evidence is insufficient to determine the role of this variant in disease conclusively. Therefore, this variant is classified as a Variant of Uncertain Significance.

All of Us Research Program, National Institutes of Health
Classification: Uncertain significance for Lynch syndrome. Last evaluated: 2023-04-03. Review status: criteria provided, single submitter. Criteria: ACMG Guidelines, 2015. Collection method: clinical testing. Allele origin: germline. Inheritance: Autosomal dominant inheritance. Observed: 1 variant allele, 1 heterozygote.
Comment: This missense variant replaces proline with threonine at codon 898 of the MSH6 protein. Computational prediction is inconclusive regarding the impact of this variant on protein structure and function (internally defined REVEL score threshold 0.5 < inconclusive < 0.7, PMID: 27666373). To our knowledge, functional studies have not been reported for this variant. This variant has not been reported in individuals affected with hereditary cancer in the literature. This variant has not been identified in the general population by the Genome Aggregation Database (gnomAD). The available evidence is insufficient to determine the role of this variant in disease conclusively. Therefore, this variant is classified as a Variant of Uncertain Significance.

This study involves interpretation of variants in research participants for the purpose of population health screening. Participant phenotype was not available at the time of variant classification. Additional details can be found in publication PMID: 35346344, PMCID: PMC8962531